The following is an entry in ClinVar:

NM_001142800.2(EYS):c.70T>C (p.Cys24Arg)

Gene: EYS (eyes shut homolog; minus strand). Cytogenetic location: 6q12.
Variant type: single nucleotide variant.
Coding change: c.70T>C on transcript NM_001142800.2 (MANE Select); coding-DNA position 70, T replaced by C.
Protein change: p.Cys24Arg; replaces cysteine 24 with arginine.
Molecular consequence: missense variant.
Genome position (GRCh38, 1-based): chr6:65,495,341, A>G on the plus strand (T>C on the coding strand, the complement: EYS is on the minus strand). VCF-style: chr6-65495341-A-G. GRCh37 (hg19) VCF-style: chr6-66205234-A-G.
Other names: c.70T>C, p.Cys24Arg (NM_001142801.2, NM_001292009.2, NM_198283.2); short protein forms C24R.
Identifiers: ClinVar variation 1046362 (VCV001046362.6), dbSNP rs772924320, ClinGen allele CA3878136.
Genomic context (GRCh38, chr6:65,495,341, plus strand): 5'-TCCAATTTACCACATATGATGAGGGTTGTGGATGCCATTCTTCCACCAATTGCCGTCTAC[A>G]TGTTTTTCCATTTATGAAAGAGCTGTGAAAAACCATCAGGCTCAGAATGACGATTGATTT-3'
Protein context (NP_001136272.1, residues 14-34): FHSSFINGKT[Cys24Arg]RRQLVEEWHP

ClinVar aggregate classification (germline): Uncertain significance (1 of 4 stars; one submission).

Allele frequency attached by ClinVar (database versions not stated): gnomAD exomes 0.00003 and 0.00001; ExAC 0.00001; gnomAD 0.00001; TOPMed 0.00001.
gnomAD v4.1: 45 of 1,613,728 alleles (0.0028%); highest among the groups gnomAD compares: African/African-American, 0.004%; no homozygotes.

Submission:

Labcorp Genetics (formerly Invitae), Labcorp
Classification: Uncertain significance. Last evaluated: 2022-03-10. Review status: criteria provided, single submitter. Criteria: Invitae Variant Classification Sherloc (09022015). Collection method: clinical testing. Allele origin: germline.
Comment: This sequence change replaces cysteine, which is neutral and slightly polar, with arginine, which is basic and polar, at codon 24 of the EYS protein (p.Cys24Arg). This variant is present in population databases (rs772924320, gnomAD 0.008%). This variant has not been reported in the literature in individuals affected with EYS-related conditions. ClinVar contains an entry for this variant (Variation ID: 1046362). Algorithms developed to predict the effect of missense changes on protein structure and function are either unavailable or do not agree on the potential impact of this missense change (SIFT: "Deleterious"; PolyPhen-2: "Probably Damaging"; Align-GVGD: "Class C0"). In summary, the available evidence is currently insufficient to determine the role of this variant in disease. Therefore, it has been classified as a Variant of Uncertain Significance.